The following is an entry in ClinVar:

ClinVar aggregate classification (germline): Uncertain significance. Review status: criteria provided, multiple submitters, no conflicts (2 of 4 stars). 5 submissions from 5 submitters: Uncertain significance (3). 2 of the submissions do not count toward it. Last evaluated 2023-04-11.

Conditions:
Hereditary cancer-predisposing syndrome. Also called: Hereditary Cancer Syndrome; Hereditary neoplastic syndrome; Neoplastic Syndromes, Hereditary; Tumor predisposition. Identifiers: Orphanet 140162, MedGen C0027672, MeSH D009386, MONDO:0015356.
Breast-ovarian cancer, familial, susceptibility to, 1 (BROVCA1). Also called: BRCA1 Hereditary Breast and Ovarian Cancer; OVARIAN CANCER, SUSCEPTIBILITY TO. Identifiers: Orphanet 145, MedGen C2676676, MONDO:0011450, OMIM 604370. Disease mechanism: loss of function.
Hereditary breast ovarian cancer syndrome. Also called: BRCA1- and BRCA2-Associated Hereditary Breast and Ovarian Cancer; Hereditary breast and ovarian cancer syndrome; Hereditary breast and ovarian cancer syndrome (HBOC); Breast and ovarian cancer; Hereditary breast and/or ovarian cancer syndrome; Hereditary breast and ovarian cancer. Identifiers: Orphanet 145, MedGen C0677776, MeSH D061325, MONDO:0003582. Disease mechanism: loss of function.

Allele frequency attached by ClinVar (database versions not stated): gnomAD exomes below 0.00001.
gnomAD v4.1: 1 of 1,613,870 alleles (0.000062%); highest among the groups gnomAD compares: Non-Finnish European, 0.000085%; no homozygotes.

Submissions (6):

Labcorp Genetics (formerly Invitae), Labcorp
Classification: Uncertain significance for Hereditary breast ovarian cancer syndrome. Last evaluated: 2023-04-11. Review status: criteria provided, single submitter. Criteria: Invitae Variant Classification Sherloc (09022015). Collection method: clinical testing. Allele origin: germline.
Comment: This sequence change replaces isoleucine, which is neutral and non-polar, with threonine, which is neutral and polar, at codon 15 of the BRCA1 protein (p.Ile15Thr). This variant is not present in population databases (gnomAD no frequency). This variant has not been reported in the literature in individuals affected with BRCA1-related conditions. ClinVar contains an entry for this variant (Variation ID: 55217). Advanced modeling performed at Invitae incorporating data from internal and/or published experimental studies (PMID: 30209399) indicates that this missense variant is expected to disrupt BRCA1 function. Experimental studies have shown that this missense change affects BRCA1 function (PMID: 16403807, 18493658, 25823446). In summary, the available evidence is currently insufficient to determine the role of this variant in disease. Therefore, it has been classified as a Variant of Uncertain Significance.

Color Diagnostics, LLC DBA Color Health
Classification: Uncertain significance for Hereditary cancer-predisposing syndrome. Last evaluated: 2019-06-22. Review status: criteria provided, single submitter. Criteria: ACMG Guidelines, 2015. Collection method: clinical testing. Allele origin: germline.

Women's Health and Genetics/Laboratory Corporation of America, LabCorp
Classification: Uncertain significance. Last evaluated: 2016-05-11. Review status: criteria provided, single submitter. Criteria: LabCorp Variant Classification Summary - May 2015. Collection method: clinical testing. Allele origin: germline.
Comment: Variant summary: The BRCA1 c.44T>C (p.Ile15Thr) variant involves the alteration of a conserved nucleotide. 4/5 in silico tools predict this variant to be deleterious. It is absent in 121012 control chromosomes and to our knowledge, it was not reported in affected patients with strong evidence for pathogenicity either via publications at the time of scoring. Functional studies demonstrated the variant to be proficient in BARD1 binding, while deficient in UbcH5a binding and consequently rendering BRCA1 E3 ligase dead. More importantly, the variant impairs homology directed repair activity of BRCA1 indicating its pathogenicity. Considering all available lines of evidence, the variant is classified as a Variant of uncertain significance-possibly pathogenic.

Pathway Genomics
Classification: Uncertain significance for Breast-ovarian cancer, familial 1. Last evaluated: 2014-07-24. Review status: no assertion criteria provided. Collection method: clinical testing. Allele origin: germline. Not counted in ClinVar's aggregate classification.

Breast Cancer Information Core (BIC) (BRCA1)
Classification: Uncertain significance for Breast-ovarian cancer, familial 1. Review status: no assertion criteria provided. Collection method: clinical testing. Allele origin: germline. Affected: yes. Observed: 1 variant allele. Not counted in ClinVar's aggregate classification.

Brotman Baty Institute, University of Washington
No classification provided (evidence only). Condition: Breast-ovarian cancer, familial 1. Review status: no classification provided. Collection method: in vitro. Allele origin: not applicable. Functional consequence: functionally_abnormal. Not counted in ClinVar's aggregate classification.
ClinVar note: "not provided" was previously submitted as the classification for the variant. However, the classification appeared to be based only on an observation of functional data so it was converted to no classification on 2025-07-30.

Literature cited by the submitters: PubMed 30209399 (cited by Labcorp Genetics (formerly Invitae), Labcorp); PubMed 16403807 (cited by 3 submitters); PubMed 18493658 (cited by 3 submitters); PubMed 25823446 (cited by Labcorp Genetics (formerly Invitae), Labcorp and Women's Health and Genetics/Laboratory Corporation of America, LabCorp); PubMed 16267036 (cited by Women's Health and Genetics/Laboratory Corporation of America, LabCorp); PubMed 15235020 (cited by Pathway Genomics).

NM_007294.4(BRCA1):c.44T>C (p.Ile15Thr)

Gene: BRCA1 (BRCA1 DNA repair associated; minus strand). Cytogenetic location: 17q21.31.
Variant type: single nucleotide variant.
Coding change: c.44T>C on transcript NM_007294.4 (MANE Select); coding-DNA position 44, T replaced by C.
Protein change: p.Ile15Thr; replaces isoleucine 15 with threonine.
Molecular consequence: missense variant. On other transcripts: 5 prime UTR variant (1), non-coding transcript variant (1).
Genome position (GRCh38, 1-based): chr17:43,124,053, A>G on the plus strand (T>C on the coding strand, the complement: BRCA1 is on the minus strand). VCF-style: chr17-43124053-A-G. GRCh37 (hg19) VCF-style: chr17-41276070-A-G.
Other names: c.-145T>C (NM_001407571.1, NM_001407853.1, NM_001407879.1 and 46 more transcripts); c.44T>C, p.Ile15Thr (NM_001407581.1, NM_001407582.1, NM_001407583.1 and 193 more transcripts); c.-214T>C (NM_001407694.1, NM_001407724.1, NM_001407727.1 and 11 more transcripts); c.-218T>C (NM_001407695.1, NM_001408465.1); c.-359T>C (NM_001407696.1); c.-243T>C (NM_001407697.1, NM_001407846.1, NM_001407920.1); c.-44T>C (NM_001407698.1, NM_001407732.1, NM_001407736.1 and 23 more transcripts); c.-217T>C (NM_001407725.1, NM_001407730.1, NM_001407734.1 and 22 more transcripts); and 8 more; short protein forms I15T.
Identifiers: ClinVar variation 55217 (VCV000055217.11), dbSNP rs80357316, ClinGen allele CA002886.